The following is an entry in ClinVar:

NM_201384.3(PLEC):c.6838G>A (p.Ala2280Thr)

Gene: PLEC (plectin; minus strand). Cytogenetic location: 8q24.3.
Variant type: single nucleotide variant.
Coding change: c.6838G>A on transcript NM_201384.3 (MANE Select); coding-DNA position 6838, G replaced by A.
Protein change: p.Ala2280Thr; replaces alanine 2280 with threonine.
Molecular consequence: missense variant.
Genome position (GRCh38, 1-based): chr8:143,923,091, C>T on the plus strand (G>A on the coding strand, the complement: PLEC is on the minus strand). VCF-style: chr8-143923091-C-T. GRCh37 (hg19) VCF-style: chr8-144997259-C-T.
Other names: c.6919G>A, p.Ala2307Thr (NM_000445.5); c.6796G>A, p.Ala2266Thr (NM_201378.4); c.6772G>A, p.Ala2258Thr (NM_201379.3); c.7249G>A, p.Ala2417Thr (NM_201380.4); c.6742G>A, p.Ala2248Thr (NM_201381.3); c.6838G>A, p.Ala2280Thr (NM_201382.4); c.6850G>A, p.Ala2284Thr (NM_201383.3); short protein forms A2266T, A2280T, A2284T, A2248T, A2258T, A2307T, A2417T.
Identifiers: ClinVar variation 849689 (VCV000849689.7), dbSNP rs1554691347, ClinGen allele CA372532114.

ClinVar aggregate classification (germline): Uncertain significance (1 of 4 stars; one submission).

Conditions:
Autosomal recessive limb-girdle muscular dystrophy type 2Q (LGMDR17). Also called: MUSCULAR DYSTROPHY, LIMB-GIRDLE, AUTOSOMAL RECESSIVE 17. Identifiers: Orphanet 254361, MedGen C3150989, MONDO:0013390, OMIM 613723.
Epidermolysis bullosa simplex 5B, with muscular dystrophy (EBS5B). Also called: Epidermolysis bullosa simplex with muscular dystrophy; EPIDERMOLYSIS BULLOSA SIMPLEX AND LIMB-GIRDLE MUSCULAR DYSTROPHY. Identifiers: Orphanet 257, MedGen C2931072, MONDO:0009181, OMIM 226670.
Epidermolysis bullosa simplex, Ogna type (EBS5A). Also called: Pidermolysis bullosa simplex 5A, Ogna type; EPIDERMOLYSIS BULLOSA SIMPLEX 5A, OGNA TYPE. Identifiers: Orphanet 79401, MedGen C0432317, MONDO:0007555, OMIM 131950.
Epidermolysis bullosa simplex 5C, with pyloric atresia (EBS5C). Also called: PLEC1-Related Epidermolysis Bullosa with Pyloric Atresia; Epidermolysis bullosa simplex with pyloric atresia; PLEC-Related Epidermolysis Bullosa with Pyloric Atresia. Identifiers: Orphanet 158684, MedGen C2677349, MONDO:0012807, OMIM 612138.
Epidermolysis bullosa simplex with nail dystrophy (EBS5D). Identifiers: MedGen C4225309, MONDO:0014661, OMIM 616487.

Allele frequency attached by ClinVar (database versions not stated): gnomAD exomes below 0.00001.
gnomAD v4.1: 1 of 1,606,952 alleles (0.000062%); highest among the groups gnomAD compares: African/African-American, 0.0013%; no homozygotes.

Submission:

Labcorp Genetics (formerly Invitae), Labcorp
Classification: Uncertain significance for Autosomal recessive limb-girdle muscular dystrophy type 2Q; Epidermolysis bullosa simplex, Ogna type; Epidermolysis bullosa simplex with nail dystrophy; Epidermolysis bullosa simplex 5C, with pyloric atresia; Epidermolysis bullosa simplex 5B, with muscular dystrophy. Last evaluated: 2022-01-15. Review status: criteria provided, single submitter. Criteria: Invitae Variant Classification Sherloc (09022015). Collection method: clinical testing. Allele origin: germline.
Comment: This sequence change replaces alanine, which is neutral and non-polar, with threonine, which is neutral and polar, at codon 2307 of the PLEC protein (p.Ala2307Thr). In summary, the available evidence is currently insufficient to determine the role of this variant in disease. Therefore, it has been classified as a Variant of Uncertain Significance. Algorithms developed to predict the effect of missense changes on protein structure and function (SIFT, PolyPhen-2, Align-GVGD) all suggest that this variant is likely to be disruptive. ClinVar contains an entry for this variant (Variation ID: 849689). This variant has not been reported in the literature in individuals affected with PLEC-related conditions. This variant is not present in population databases (gnomAD no frequency).